The following is an entry in ClinVar:

ClinVar aggregate classification (germline): Likely benign. Review status: criteria provided, multiple submitters, no conflicts (2 of 4 stars). 3 submissions from 3 submitters: Likely benign (2). 1 of the submissions does not count toward it. Last evaluated 2022-10-06.

Conditions:
ERCC3-related disorder. Also called: ERCC3-related condition.

Allele frequency attached by ClinVar (database versions not stated): gnomAD exomes 0.00001; TOPMed 0.00001.
gnomAD v4.1: 10 of 1,614,128 alleles (0.00062%); highest among the groups gnomAD compares: Non-Finnish European, 0.00085%; no homozygotes.

Submissions (3):

Labcorp Genetics (formerly Invitae), Labcorp
Classification: Likely benign. Last evaluated: 2022-10-06. Review status: criteria provided, single submitter. Criteria: Invitae Variant Classification Sherloc (09022015). Collection method: clinical testing. Allele origin: germline.

CeGaT Center for Human Genetics Tuebingen
Classification: Likely benign. Last evaluated: 2022-04-01. Review status: criteria provided, single submitter. Criteria: CeGaT Center For Human Genetics Tuebingen Variant Classification Criteria Version 2. Collection method: clinical testing. Allele origin: germline. Affected: yes. Observed: 1 variant allele.
Comment: ERCC3: BP4, BP7

PreventionGenetics, part of Exact Sciences
Classification: Likely benign for ERCC3-related condition. Last evaluated: 2019-05-01. Review status: no assertion criteria provided. Collection method: clinical testing. Allele origin: germline. Not counted in ClinVar's aggregate classification.
Comment: This variant is classified as likely benign based on ACMG/AMP sequence variant interpretation guidelines (Richards et al. 2015 PMID: 25741868, with internal and published modifications).

NM_000122.2(ERCC3):c.1581C>G (p.Thr527=)

Gene: ERCC3 (ERCC excision repair 3, TFIIH core complex helicase subunit; minus strand). Cytogenetic location: 2q14.3.
Variant type: single nucleotide variant.
Coding change: c.1581C>G on transcript NM_000122.2 (MANE Select); coding-DNA position 1581, C replaced by G.
Protein change: p.Thr527=; no amino-acid change (threonine 527 retained).
Molecular consequence: synonymous variant.
Genome position (GRCh38, 1-based): chr2:127,279,322, G>C on the plus strand (C>G on the coding strand, the complement: ERCC3 is on the minus strand). VCF-style: chr2-127279322-G-C. GRCh37 (hg19) VCF-style: chr2-128036898-G-C.
Other names: c.1389C>G, p.Thr463= (NM_001303416.2, NM_001303418.2).
Identifiers: ClinVar variation 1918273 (VCV001918273.30), dbSNP rs1202912903, ClinGen allele CA428608348.
Genomic context (GRCh38, chr2:127,279,322, plus strand): 5'-CAGAAACTGGCAAGCTCTAAATTTGTTGGGGTTCATGGTGTACAGCAAGATTCGTTTCTT[G>C]GTTTTGATTGCCACATATTCCCGGTAAAATTCAGGAGACATAGGGCACCAGACCTGTAAT-3'
Protein context (NP_000113.1, residues 517-537): EFYREYVAIK[Thr527=]KKRILLYTMN